The following is an entry in ClinVar:

NM_001100913.3(PACS2):c.2134G>T (p.Ala712Ser)

Gene: PACS2 (phosphofurin acidic cluster sorting protein 2; plus strand). Cytogenetic location: 14q32.33.
Variant type: single nucleotide variant.
Coding change: c.2134G>T on transcript NM_001100913.3 (MANE Select); coding-DNA position 2134, G replaced by T.
Protein change: p.Ala712Ser; replaces alanine 712 with serine.
Molecular consequence: missense variant.
Genome position (GRCh38, 1-based): chr14:105,391,645, G>T. VCF-style: chr14-105391645-G-T. GRCh37 (hg19) VCF-style: chr14-105857982-G-T.
Other names: c.1864G>T, p.Ala622Ser (NM_001243127.3); c.2089G>T, p.Ala697Ser (NM_015197.4); short protein forms A712S, A622S, A697S.
Identifiers: ClinVar variation 1438109 (VCV001438109.8), dbSNP rs781979650, ClinGen allele CA391185714.

ClinVar aggregate classification (germline): Uncertain significance (1 of 4 stars; one submission).

gnomAD v4.1: 1 of 1,610,056 alleles (0.000062%); no homozygotes.

Submission:

Labcorp Genetics (formerly Invitae), Labcorp
Classification: Uncertain significance. Last evaluated: 2022-09-01. Review status: criteria provided, single submitter. Criteria: Invitae Variant Classification Sherloc (09022015). Collection method: clinical testing. Allele origin: germline.
Comment: In summary, the available evidence is currently insufficient to determine the role of this variant in disease. Therefore, it has been classified as a Variant of Uncertain Significance. Algorithms developed to predict the effect of missense changes on protein structure and function are either unavailable or do not agree on the potential impact of this missense change (SIFT: "Tolerated"; PolyPhen-2: "Probably Damaging"; Align-GVGD: "Class C0"). ClinVar contains an entry for this variant (Variation ID: 1438109). This variant has not been reported in the literature in individuals affected with PACS2-related conditions. This variant is not present in population databases (gnomAD no frequency). This sequence change replaces alanine, which is neutral and non-polar, with serine, which is neutral and polar, at codon 712 of the PACS2 protein (p.Ala712Ser).